The following is an entry in ClinVar:

NM_053025.4(MYLK):c.4504G>A (p.Glu1502Lys)

Gene: MYLK (myosin light chain kinase; minus strand). Cytogenetic location: 3q21.1.
Variant type: single nucleotide variant.
Coding change: c.4504G>A on transcript NM_053025.4 (MANE Select); coding-DNA position 4504, G replaced by A.
Protein change: p.Glu1502Lys; replaces glutamic acid 1502 with lysine.
Molecular consequence: missense variant.
Genome position (GRCh38, 1-based): chr3:123,647,339, C>T on the plus strand (G>A on the coding strand, the complement: MYLK is on the minus strand). VCF-style: chr3-123647339-C-T. GRCh37 (hg19) VCF-style: chr3-123366186-C-T.
Other names: c.3976G>A, p.Glu1326Lys (NM_001321309.2); c.4297G>A, p.Glu1433Lys (NM_053026.4, NM_053028.4); c.4504G>A, p.Glu1502Lys (NM_053027.4); short protein forms E1433K, E1326K, E1502K.
Identifiers: ClinVar variation 1741070 (VCV001741070.5), dbSNP rs2473365106, ClinGen allele CA354227204.

ClinVar aggregate classification (germline): Uncertain significance. Review status: criteria provided, multiple submitters, no conflicts (2 of 4 stars). 2 submissions from 2 submitters: Uncertain significance (2). Last evaluated 2023-02-21.

Conditions:
Aortic aneurysm, familial thoracic 7 (AAT7). Also called: AORTIC DISSECTION, FAMILIAL, WITH OR WITHOUT AORTIC ANEURYSM. Identifiers: MedGen C3151077, MONDO:0013418, OMIM 613780.
Familial thoracic aortic aneurysm and aortic dissection (TAAD). Also called: Thoracic aortic aneurysms and dissections. Identifiers: Orphanet 91387, MedGen C4707243, MONDO:0019625.

Submissions (2):

Labcorp Genetics (formerly Invitae), Labcorp
Classification: Uncertain significance for Aortic aneurysm, familial thoracic 7. Last evaluated: 2023-02-21. Review status: criteria provided, single submitter. Criteria: Invitae Variant Classification Sherloc (09022015). Collection method: clinical testing. Allele origin: germline.
Comment: ClinVar contains an entry for this variant (Variation ID: 1741070). In summary, the available evidence is currently insufficient to determine the role of this variant in disease. Therefore, it has been classified as a Variant of Uncertain Significance. Advanced modeling of protein sequence and biophysical properties (such as structural, functional, and spatial information, amino acid conservation, physicochemical variation, residue mobility, and thermodynamic stability) performed at Invitae indicates that this missense variant is not expected to disrupt MYLK protein function. This variant has not been reported in the literature in individuals affected with MYLK-related conditions. This variant is not present in population databases (gnomAD no frequency). This sequence change replaces glutamic acid, which is acidic and polar, with lysine, which is basic and polar, at codon 1502 of the MYLK protein (p.Glu1502Lys).

Ambry Genetics
Classification: Uncertain significance for Familial thoracic aortic aneurysm and aortic dissection. Last evaluated: 2018-10-29. Review status: criteria provided, single submitter. Criteria: Ambry Variant Classification Scheme 2023. Collection method: clinical testing. Allele origin: germline.
Comment: The p.E1502K variant (also known as c.4504G>A), located in coding exon 24 of the MYLK gene, results from a G to A substitution at nucleotide position 4504. The glutamic acid at codon 1502 is replaced by lysine, an amino acid with similar properties, and is located in the protein kinase domain. This amino acid position is not well conserved in available vertebrate species. In addition, the in silico prediction for this alteration is inconclusive. Since supporting evidence is limited at this time, the clinical significance of this alteration remains unclear.